The following is an entry in ClinVar:

NM_001161352.2(KCNMA1):c.1928G>T (p.Arg643Leu)

Gene: KCNMA1 (potassium calcium-activated channel subfamily M alpha 1; minus strand). Cytogenetic location: 10q22.3.
Variant type: single nucleotide variant.
Coding change: c.1928G>T on transcript NM_001161352.2 (MANE Select); coding-DNA position 1928, G replaced by T.
Protein change: p.Arg643Leu; replaces arginine 643 with leucine.
Molecular consequence: missense variant.
Genome position (GRCh38, 1-based): chr10:77,027,823, C>A on the plus strand (G>T on the coding strand, the complement: KCNMA1 is on the minus strand). VCF-style: chr10-77027823-C-A. GRCh37 (hg19) VCF-style: chr10-78787581-C-A.
Other names: c.1928G>T, p.Arg643Leu (NM_001014797.3, NM_001161353.2, NM_001271519.2 and 7 more transcripts); c.1766G>T, p.Arg589Leu (NM_001271518.2); c.1388G>T, p.Arg463Leu (NM_001322838.2); short protein forms R643L, R589L, R463L.
Identifiers: ClinVar variation 1381890 (VCV001381890.6), dbSNP rs2093602876, ClinGen allele CA377409632.

ClinVar aggregate classification (germline): Uncertain significance (1 of 4 stars; one submission).

Conditions:
Generalized epilepsy-paroxysmal dyskinesia syndrome (PNKD3). Also called: Paroxysmal nonkinesigenic dyskinesia, 3, with or without generalized epilepsy; Generalized epilepsy and paroxysmal dyskinesia. Identifiers: Orphanet 79137, MedGen C5574945, MONDO:0012276, OMIM 609446.

Submission:

Labcorp Genetics (formerly Invitae), Labcorp
Classification: Uncertain significance for Generalized epilepsy-paroxysmal dyskinesia syndrome. Last evaluated: 2021-09-18. Review status: criteria provided, single submitter. Criteria: Invitae Variant Classification Sherloc (09022015). Collection method: clinical testing. Allele origin: germline.
Comment: Algorithms developed to predict the effect of missense changes on protein structure and function (SIFT, PolyPhen-2, Align-GVGD) all suggest that this variant is likely to be tolerated. Variants that disrupt the consensus splice site are a relatively common cause of aberrant splicing (PMID: 17576681, 9536098). Algorithms developed to predict the effect of sequence changes on RNA splicing suggest that this variant may disrupt the consensus splice site. In summary, the available evidence is currently insufficient to determine the role of this variant in disease. Therefore, it has been classified as a Variant of Uncertain Significance. This variant has not been reported in the literature in individuals affected with KCNMA1-related conditions. This sequence change replaces arginine with leucine at codon 643 of the KCNMA1 protein (p.Arg643Leu). The arginine residue is moderately conserved and there is a moderate physicochemical difference between arginine and leucine. This variant also falls at the last nucleotide of exon 16, which is part of the consensus splice site for this exon. This variant is not present in population databases (ExAC no frequency).

Literature cited by the submitters: PubMed 17576681; PubMed 9536098.